The following is an entry in ClinVar:

NM_003978.5(PSTPIP1):c.1241A>G (p.Glu414Gly)

Gene: PSTPIP1 (proline-serine-threonine phosphatase interacting protein 1; plus strand). Cytogenetic location: 15q24.3.
Variant type: single nucleotide variant.
Coding change: c.1241A>G on transcript NM_003978.5 (MANE Select); coding-DNA position 1241, A replaced by G.
Protein change: p.Glu414Gly; replaces glutamic acid 414 with glycine.
Molecular consequence: missense variant. On other transcripts: non-coding transcript variant (1).
Genome position (GRCh38, 1-based): chr15:77,037,166, A>G. VCF-style: chr15-77037166-A-G. GRCh37 (hg19) VCF-style: chr15-77329507-A-G.
Other names: c.1184A>G, p.Glu395Gly (NM_001321135.2); c.1214A>G, p.Glu405Gly (NM_001321136.2); c.1436A>G, p.Glu479Gly (NM_001321137.1); c.1232A>G, p.Glu411Gly (NM_001411086.1); short protein forms E414G, E479G, E405G, E395G, E411G.
Identifiers: ClinVar variation 2881744 (VCV002881744.3), dbSNP rs2152692961, ClinGen allele CA393522171.
Genomic context (GRCh38, chr15:77,037,166, plus strand): 5'-ATGGCTGGTGGACTGTGGAGAGGAACGGGCAGCGTGGCTTCGTCCCTGGTTCCTACCTGG[A>G]GAAGCTTTGAGGAAGGGCCAGGAGCCCCTTCGGACCTGCCCTGCCAGTGGAGCCAGCAGT-3'
Protein context (NP_003969.2, residues 404-416): QRGFVPGSYL[Glu414Gly]KL

ClinVar aggregate classification (germline): Uncertain significance (1 of 4 stars; one submission).

Conditions:
Pyogenic arthritis-pyoderma gangrenosum-acne syndrome (PAPA). Also called: FAMILIAL RECURRENT ARTHRITIS; PAPA SYNDROME. Identifiers: Orphanet 69126, MedGen C1858361, MONDO:0011462, OMIM 604416.

Submission:

Labcorp Genetics (formerly Invitae), Labcorp
Classification: Uncertain significance for Pyogenic arthritis-pyoderma gangrenosum-acne syndrome. Last evaluated: 2023-10-05. Review status: criteria provided, single submitter. Criteria: Invitae Variant Classification Sherloc (09022015). Collection method: clinical testing. Allele origin: germline.
Comment: This sequence change replaces glutamic acid, which is acidic and polar, with glycine, which is neutral and non-polar, at codon 414 of the PSTPIP1 protein (p.Glu414Gly). This variant is not present in population databases (gnomAD no frequency). This variant has not been reported in the literature in individuals affected with PSTPIP1-related conditions. Advanced modeling of protein sequence and biophysical properties (such as structural, functional, and spatial information, amino acid conservation, physicochemical variation, residue mobility, and thermodynamic stability) performed at Invitae indicates that this missense variant is expected to disrupt PSTPIP1 protein function. In summary, the available evidence is currently insufficient to determine the role of this variant in disease. Therefore, it has been classified as a Variant of Uncertain Significance.